The following is an entry in ClinVar:

NM_006015.6(ARID1A):c.6659A>G (p.Asn2220Ser)

Gene: ARID1A (AT-rich interaction domain 1A; plus strand). Cytogenetic location: 1p36.11.
Variant type: single nucleotide variant.
Coding change: c.6659A>G on transcript NM_006015.6 (MANE Select); coding-DNA position 6659, A replaced by G.
Protein change: p.Asn2220Ser; replaces asparagine 2220 with serine.
Molecular consequence: missense variant.
Genome position (GRCh38, 1-based): chr1:26,780,557, A>G. VCF-style: chr1-26780557-A-G. GRCh37 (hg19) VCF-style: chr1-27107048-A-G.
Other names: c.6008A>G, p.Asn2003Ser (NM_139135.4); short protein forms N2220S, N2003S.
Identifiers: ClinVar variation 788352 (VCV000788352.39), dbSNP rs139576809, ClinGen allele CA707869.
Genomic context (GRCh38, chr1:26,780,557, plus strand): 5'-AGGACAGCCTTGCCGCCACACAGTTCCAGCAGAGCCAGGCCAGCCTCCTCCACATGCAGA[A>G]CCCACCCTTTGAGCCAACTAGTGTGGACATGATGCGGCGGGCTGCCCGCGCGCTGCTTGC-3'
Protein context (NP_006006.3, residues 2210-2230): QSQASLLHMQ[Asn2220Ser]PPFEPTSVDM

ClinVar aggregate classification (germline): Benign/Likely benign. Review status: criteria provided, multiple submitters, no conflicts (2 of 4 stars). 7 submissions from 7 submitters: Benign (4); Likely benign (3). Last evaluated 2026-05-01.

Conditions:
ARID1A-related disorder. Also called: ARID1A-related condition.
Intellectual disability, autosomal dominant 14 (CSS2). Also called: COFFIN-SIRIS SYNDROME 2. Identifiers: Orphanet 1465, MedGen C3553247, MONDO:0013819, OMIM 614607.

Allele frequency attached by ClinVar (database versions not stated): ExAC 0.00014; ESP Exome Variant Server 0.00015; gnomAD exomes 0.00019 and 0.00026; 1000 Genomes Project 0.00020; gnomAD 0.00029 and 0.00030; 1000 Genomes Project 30x 0.00031; TOPMed 0.00048.
gnomAD v4.1: 356 of 1,614,030 alleles (0.022%); highest among the groups gnomAD compares: Middle Eastern, 0.2%; 3 homozygotes.

Submissions (7):

CeGaT Center for Human Genetics Tuebingen
Classification: Benign. Last evaluated: 2026-05-01. Review status: criteria provided, single submitter. Criteria: CeGaT Center For Human Genetics Tuebingen Variant Classification Criteria Version 2. Collection method: clinical testing. Allele origin: germline. Affected: yes. Observed: 4 variant alleles.
Comment: ARID1A: BP4, BS1, BS2

Labcorp Genetics (formerly Invitae), Labcorp
Classification: Likely benign. Last evaluated: 2026-02-01. Review status: criteria provided, single submitter. Criteria: Invitae Variant Classification Sherloc (09022015). Collection method: clinical testing. Allele origin: germline.

PreventionGenetics, part of Exact Sciences
Classification: Likely benign for ARID1A-related condition. Last evaluated: 2025-08-28. Review status: criteria provided, single submitter. Criteria: ACMG Guidelines, 2015. Collection method: clinical testing. Allele origin: germline.
Comment: This variant is classified as likely benign based on ACMG/AMP sequence variant interpretation guidelines (Richards et al. 2015 PMID: 25741868, with internal and published modifications).

Blueprint Genetics
Classification: Likely benign. Last evaluated: 2024-11-04. Review status: criteria provided, single submitter. Criteria: ACMG Guidelines, 2015. Collection method: clinical testing. Allele origin: germline.

Genome-Nilou Lab
Classification: Benign for Intellectual disability, autosomal dominant 14. Last evaluated: 2021-12-05. Review status: criteria provided, single submitter. Criteria: ACMG Guidelines, 2015. Collection method: clinical testing. Allele origin: germline. Affected: no.

GeneDx
Classification: Benign. Last evaluated: 2019-08-21. Review status: criteria provided, single submitter. Criteria: GeneDx Variant Classification Process June 2021. Collection method: clinical testing. Allele origin: germline. Affected: yes.

Genetic Services Laboratory, University of Chicago
Classification: Benign. Last evaluated: 2018-02-09. Review status: criteria provided, single submitter. Criteria: ACMG Guidelines, 2015. Collection method: clinical testing. Allele origin: germline. Affected: no.